The following is an entry in ClinVar:

ClinVar aggregate classification (germline): Uncertain significance (1 of 4 stars; one submission).

Submission:

Labcorp Genetics (formerly Invitae), Labcorp
Classification: Uncertain significance. Last evaluated: 2025-06-27. Review status: criteria provided, single submitter. Criteria: Invitae Variant Classification Sherloc (09022015). Collection method: clinical testing. Allele origin: germline.
Comment: This sequence change replaces glycine, which is neutral and non-polar, with valine, which is neutral and non-polar, at codon 146 of the PLG protein (p.Gly146Val). This variant is not present in population databases (gnomAD no frequency). This variant has not been reported in the literature in individuals affected with PLG-related conditions. An algorithm developed to predict the effect of missense changes on protein structure and function (PolyPhen-2) suggests that this variant is likely to be disruptive. In summary, the available evidence is currently insufficient to determine the role of this variant in disease. Therefore, it has been classified as a Variant of Uncertain Significance.

NM_000301.5(PLG):c.437G>T (p.Gly146Val)

Gene: PLG (plasminogen; plus strand). Cytogenetic location: 6q26.
Variant type: single nucleotide variant.
Coding change: c.437G>T on transcript NM_000301.5 (MANE Select); coding-DNA position 437, G replaced by T.
Protein change: p.Gly146Val; replaces glycine 146 with valine.
Molecular consequence: missense variant.
Genome position (GRCh38, 1-based): chr6:160,713,015, G>T. VCF-style: chr6-160713015-G-T. GRCh37 (hg19) VCF-style: chr6-161134047-G-T.
Other names: short protein forms G146V.
Identifiers: ClinVar variation 4762433 (VCV004762433.1).